The following is an entry in ClinVar:

ClinVar aggregate classification (germline): Uncertain significance (1 of 4 stars; one submission).

Conditions:
WNK1-related disorder. Also called: WNK1-related condition.

gnomAD v4.1: 11 of 1,614,168 alleles (0.00068%); highest among the groups gnomAD compares: Non-Finnish European, 0.00093%; no homozygotes.

Submission:

PreventionGenetics, part of Exact Sciences
Classification: Uncertain significance for WNK1-related condition. Last evaluated: 2025-07-29. Review status: criteria provided, single submitter. Criteria: ACMG Guidelines, 2015. Collection method: clinical testing. Allele origin: germline.
Comment: The WNK1 c.6968C>A variant is predicted to result in the amino acid substitution p.Pro2323Gln. To our knowledge, this variant has not been reported in the literature or in a large population database (gnomAD), indicating this variant is rare. At this time, the clinical significance of this variant is uncertain due to the absence of conclusive functional and genetic evidence.

NM_018979.4(WNK1):c.6968C>A (p.Pro2323Gln)

Gene: WNK1 (WNK lysine deficient protein kinase 1; plus strand). Cytogenetic location: 12p13.33.
Variant type: single nucleotide variant.
Coding change: c.6968C>A on transcript NM_018979.4 (MANE Select); coding-DNA position 6968, C replaced by A.
Protein change: p.Pro2323Gln; replaces proline 2323 with glutamine.
Molecular consequence: missense variant.
Genome position (GRCh38, 1-based): chr12:908,611, C>A. VCF-style: chr12-908611-C-A. GRCh37 (hg19) VCF-style: chr12-1017777-C-A.
Other names: c.7748C>A, p.Pro2583Gln (NM_001184985.2); c.6224C>A, p.Pro2075Gln (NM_014823.3); c.7724C>A, p.Pro2575Gln (NM_213655.5); short protein forms P2323Q, P2575Q, P2583Q, P2075Q.
Identifiers: ClinVar variation 4986289 (VCV004986289.1).